The following is an entry in ClinVar:

ClinVar aggregate classification (germline): Uncertain significance (1 of 4 stars; one submission).

Conditions:
Early-infantile DEE. Also called: Early infantile epileptic encephalopathy with suppression bursts; Ohtahara syndrome; Early infantile epileptic encephalopathy. Identifiers: Orphanet 1934, MedGen C0393706, MONDO:0800491.

Allele frequency attached by ClinVar (database versions not stated): gnomAD exomes below 0.00001.
gnomAD v4.1: 3 of 1,609,518 alleles (0.00019%); highest among the groups gnomAD compares: Non-Finnish European, 0.00017%; no homozygotes.

Submission:

Labcorp Genetics (formerly Invitae), Labcorp
Classification: Uncertain significance for Early-infantile DEE. Last evaluated: 2020-04-01. Review status: criteria provided, single submitter. Criteria: Invitae Variant Classification Sherloc (09022015). Collection method: clinical testing. Allele origin: germline.
Comment: This sequence change replaces aspartic acid with glutamic acid at codon 742 of the CACNA2D2 protein (p.Asp742Glu). The aspartic acid residue is highly conserved and there is a small physicochemical difference between aspartic acid and glutamic acid. This variant is not present in population databases (ExAC no frequency). This variant has not been reported in the literature in individuals with CACNA2D2-related conditions. Algorithms developed to predict the effect of missense changes on protein structure and function are either unavailable or do not agree on the potential impact of this missense change (SIFT: "Deleterious"; PolyPhen-2: "Probably Damaging"; Align-GVGD: "Class C0"). In summary, the available evidence is currently insufficient to determine the role of this variant in disease. Therefore, it has been classified as a Variant of Uncertain Significance.

NM_006030.4(CACNA2D2):c.2226T>A (p.Asp742Glu)

Genes: CACNA2D2 (calcium voltage-gated channel auxiliary subunit alpha2delta 2; minus strand), LOC101928965 (uncharacterized LOC101928965; plus strand), LOC127898564 (CYB561D2-LOC101928965; plus strand). Cytogenetic location: 3p21.31.
Variant type: single nucleotide variant.
Coding change: c.2226T>A on transcript NM_006030.4 (MANE Select); coding-DNA position 2226, T replaced by A.
Protein change: p.Asp742Glu; replaces aspartic acid 742 with glutamic acid.
Molecular consequence: missense variant. On other transcripts: non-coding transcript variant (3).
Genome position (GRCh38, 1-based): chr3:50,367,820, A>T on the plus strand (T>A on the coding strand, the complement: CACNA2D2 is on the minus strand). VCF-style: chr3-50367820-A-T. GRCh37 (hg19) VCF-style: chr3-50405251-A-T.
Other names: c.2226T>A, p.Asp742Glu (NM_001005505.3); c.2247T>A, p.Asp749Glu (NM_001174051.3); c.2019T>A, p.Asp673Glu (NM_001291101.1); short protein forms D673E, D742E, D749E.
Identifiers: ClinVar variation 1000859 (VCV001000859.6), dbSNP rs1311949403, ClinGen allele CA352914910.